The following is an entry in ClinVar:

ClinVar aggregate classification (germline): Uncertain significance. Review status: criteria provided, multiple submitters, no conflicts (2 of 4 stars). 2 submissions from 2 submitters: Uncertain significance (2). Last evaluated 2021-07-13.

Conditions:
Neuronal ceroid lipofuscinosis. Also called: Neuronal Ceroid Lipofuscinoses. Identifiers: Orphanet 216, Orphanet 79263, MedGen C0027877, MONDO:0016295. Disease mechanism: loss of function.

Allele frequency attached by ClinVar (database versions not stated): gnomAD exomes 0.00001; TOPMed 0.00001; ExAC 0.00003.

Submissions (2):

Labcorp Genetics (formerly Invitae), Labcorp
Classification: Uncertain significance for Neuronal ceroid lipofuscinosis. Last evaluated: 2021-07-13. Review status: criteria provided, single submitter. Criteria: Invitae Variant Classification Sherloc (09022015). Collection method: clinical testing. Allele origin: germline.
Comment: This sequence change replaces glycine with arginine at codon 196 of the DNAJC5 protein (p.Gly196Arg). The glycine residue is moderately conserved and there is a moderate physicochemical difference between glycine and arginine. This variant is present in population databases (rs748741035, ExAC 0.01%). This variant has not been reported in the literature in individuals with DNAJC5-related conditions. Algorithms developed to predict the effect of missense changes on protein structure and function (SIFT, PolyPhen-2, Align-GVGD) all suggest that this variant is likely to be tolerated, but these predictions have not been confirmed by published functional studies and their clinical significance is uncertain. Algorithms developed to predict the effect of sequence changes on RNA splicing suggest that this variant may create or strengthen a splice site, but this prediction has not been confirmed by published transcriptional studies. In summary, the available evidence is currently insufficient to determine the role of this variant in disease. Therefore, it has been classified as a Variant of Uncertain Significance.

GeneDx
Classification: Uncertain significance. Last evaluated: 2019-03-28. Review status: criteria provided, single submitter. Criteria: GeneDx Variant Classification Process June 2021. Collection method: clinical testing. Allele origin: germline. Affected: yes.
Comment: In silico analysis, which includes protein predictors and evolutionary conservation, supports that this variant does not alter protein structure/function; Has not been previously published as pathogenic or benign to our knowledge; No data available from control populations to assess the frequency of this variant

NM_025219.3(DNAJC5):c.586G>A (p.Gly196Arg)

Gene: DNAJC5 (DnaJ heat shock protein family (Hsp40) member C5; plus strand). Cytogenetic location: 20q13.33.
Variant type: single nucleotide variant.
Coding change: c.586G>A on transcript NM_025219.3 (MANE Select); coding-DNA position 586, G replaced by A.
Protein change: p.Gly196Arg; replaces glycine 196 with arginine.
Molecular consequence: missense variant.
Genome position (GRCh38, 1-based): chr20:63,931,557, G>A. VCF-style: chr20-63931557-G-A. GRCh37 (hg19) VCF-style: chr20-62562910-G-A.
Other names: short protein forms G196R.
Identifiers: ClinVar variation 1308300 (VCV001308300.9), dbSNP rs748741035, ClinGen allele CA9969813.